The following is an entry in ClinVar:

ClinVar aggregate classification (germline): Uncertain significance (1 of 4 stars; one submission).

Conditions:
Hereditary cancer-predisposing syndrome. Also called: Hereditary neoplastic syndrome; Neoplastic Syndromes, Hereditary; Tumor predisposition; Hereditary Cancer Syndrome. Identifiers: Orphanet 140162, MedGen C0027672, MeSH D009386, MONDO:0015356.

Submission:

Ambry Genetics
Classification: Uncertain significance for Hereditary cancer-predisposing syndrome. Last evaluated: 2025-06-16. Review status: criteria provided, single submitter. Criteria: Ambry Variant Classification Scheme 2023. Collection method: clinical testing. Allele origin: germline.
Comment: The c.532-1102G>C intronic variant results from a G to C substitution 1102 nucleotides upstream from coding exon 5 in the APC gene. This nucleotide position is well conserved in available vertebrate species. In silico splice site analysis predicts that this alteration may result in the creation or strengthening of a novel splice acceptor site. RNA studies have demonstrated that this alteration results in a splice defect; the clinical impact of this abnormal splicing is unknown at this time (Ambry internal data). Based on the available evidence, the clinical significance of this variant remains unclear.

NM_000038.6(APC):c.532-1102G>C

Gene: APC (APC regulator of Wnt signaling pathway; plus strand). Cytogenetic location: 5q22.2.
Variant type: single nucleotide variant.
Coding change: c.532-1102G>C on transcript NM_000038.6 (MANE Select); 1102 bases into the intron before coding-DNA position 532, G replaced by C.
Molecular consequence: intron variant.
Genome position (GRCh38, 1-based): chr5:112,779,688, G>C. VCF-style: chr5-112779688-G-C. GRCh37 (hg19) VCF-style: chr5-112115385-G-C.
Other names: c.-504-1102G>C (NM_001407470.1, NM_001407472.1, NM_001354906.2 and 1 more transcripts); c.532-1102G>C (NM_001407447.1, NM_001354895.2, NM_001407456.1 and 16 more transcripts); c.562-1102G>C (NM_001407446.1, NM_001354897.2, NM_001354902.2 and 1 more transcripts); c.355-1102G>C (NM_001407453.1, NM_001354900.2, NM_001354901.2 and 1 more transcripts); c.457-1102G>C (NM_001407451.1, NM_001354898.2, NM_001354904.2).
Identifiers: ClinVar variation 4120330 (VCV004120330.1).
Genomic context (GRCh38, chr5:112,779,688, plus strand): 5'-ATCTAAACCACATTATTGCAACATACTGTGTCATGTTCAATTTTTTTTTTTTGCAGAGAG[G>C]GTTTGGGAAGTGGAGGACTAATAAGTGGAGTTACAACTGGCTCAGTAGGAATAAGAAATA-3'